The following is an entry in ClinVar:

NM_198578.4(LRRK2):c.868G>A (p.Glu290Lys)

Gene: LRRK2 (leucine rich repeat kinase 2; plus strand). Cytogenetic location: 12q12.
Variant type: single nucleotide variant.
Coding change: c.868G>A on transcript NM_198578.4 (MANE Select); coding-DNA position 868, G replaced by A.
Protein change: p.Glu290Lys; replaces glutamic acid 290 with lysine.
Molecular consequence: missense variant.
Genome position (GRCh38, 1-based): chr12:40,249,855, G>A. VCF-style: chr12-40249855-G-A. GRCh37 (hg19) VCF-style: chr12-40643657-G-A.
Other names: short protein forms E290K.
Identifiers: ClinVar variation 1412461 (VCV001412461.8), dbSNP rs201159244, ClinGen allele CA6513228.

ClinVar aggregate classification (germline): Uncertain significance (1 of 4 stars; one submission).

Conditions:
Autosomal dominant Parkinson disease 8. Also called: Parkinson disease 8; Parkinson disease 8, susceptibility to; LRRK2-Related Parkinson Disease. Identifiers: Orphanet 411602, MedGen C1846862, MONDO:0011764, OMIM 607060.

Allele frequency attached by ClinVar (database versions not stated): gnomAD exomes 0.00001 and 0.00002; ExAC 0.00002; TOPMed 0.00002.
gnomAD v4.1: 21 of 1,613,522 alleles (0.0013%); highest among the groups gnomAD compares: Non-Finnish European, 0.0017%; no homozygotes.

Submission:

Labcorp Genetics (formerly Invitae), Labcorp
Classification: Uncertain significance for Autosomal dominant Parkinson disease 8. Last evaluated: 2021-06-14. Review status: criteria provided, single submitter. Criteria: Invitae Variant Classification Sherloc (09022015). Collection method: clinical testing. Allele origin: germline.
Comment: This sequence change replaces glutamic acid with lysine at codon 290 of the LRRK2 protein (p.Glu290Lys). The glutamic acid residue is weakly conserved and there is a small physicochemical difference between glutamic acid and lysine. This variant is present in population databases (rs201159244, ExAC 0.005%). This variant has not been reported in the literature in individuals with LRRK2-related conditions. Algorithms developed to predict the effect of missense changes on protein structure and function (SIFT, PolyPhen-2, Align-GVGD) all suggest that this variant is likely to be tolerated, but these predictions have not been confirmed by published functional studies and their clinical significance is uncertain. In summary, the available evidence is currently insufficient to determine the role of this variant in disease. Therefore, it has been classified as a Variant of Uncertain Significance.